The following is an entry in ClinVar:

ClinVar aggregate classification (germline): Conflicting classifications of pathogenicity. Review status: criteria provided, conflicting classifications (1 of 4 stars). 4 submissions from 4 submitters: Uncertain significance (2); Likely benign (2). Last evaluated 2026-03-27.

Conditions:
Dilated cardiomyopathy 1G (CMD1G). Identifiers: Orphanet 154, MedGen C1858763, MONDO:0011400, OMIM 604145.
Autosomal recessive limb-girdle muscular dystrophy type 2J (LGMDR10). Also called: Limb-girdle muscular dystrophy, type 2J; MUSCULAR DYSTROPHY, LIMB-GIRDLE, AUTOSOMAL RECESSIVE 10. Identifiers: Orphanet 140922, MedGen C1837342, MONDO:0012127, OMIM 608807.

Allele frequency attached by ClinVar (database versions not stated): gnomAD exomes 0.00001; gnomAD 0.00002 and 0.00003; TOPMed 0.00003.
gnomAD v4.1: 37 of 1,543,684 alleles (0.0024%); highest among the groups gnomAD compares: Non-Finnish European, 0.003%; no homozygotes.

Submissions (4):

Molecular Diagnostic Laboratory for Inherited Cardiovascular Disease, Montreal Heart Institute
Classification: Likely benign. Last evaluated: 2026-03-27. Review status: criteria provided, single submitter. Criteria: ACMG Guidelines, 2015. Collection method: clinical testing. Allele origin: germline. Affected: no.

Labcorp Genetics (formerly Invitae), Labcorp
Classification: Likely benign for Dilated cardiomyopathy 1G; Autosomal recessive limb-girdle muscular dystrophy type 2J. Last evaluated: 2025-08-13. Review status: criteria provided, single submitter. Criteria: Invitae Variant Classification Sherloc (09022015). Collection method: clinical testing. Allele origin: germline.

Victorian Clinical Genetics Services, Murdoch Childrens Research Institute
Classification: Uncertain significance for Dilated cardiomyopathy 1G. Last evaluated: 2022-02-02. Review status: criteria provided, single submitter. Criteria: ACMG Guidelines, 2015. Collection method: clinical testing. Allele origin: germline. Inheritance: Autosomal dominant inheritance.
Comment: Based on the classification scheme VCGS_Germline_v1.3.4, this variant is classified as VUS-3C. Following criteria are met: 0102 - Loss of function is known mechanism of disease in this gene. In addition, dominant-negative is also a suggested mechanism as not all truncated transcripts in dilated cardiomyopathy (DCM) undergo nonsense mediated decay (PMID: 25589632). (I) 0108 - This gene is associated with both recessive and dominant disease (OMIM). (I) 0112 - The condition associated with this gene has incomplete penetrance. Protein truncating variants in this gene are known to have reduced penetrance in DCM (PMID: 25589632). (I) 0212 - Non-canonical splice site variant without proven consequence on splicing (no functional evidence available). (SP) 0251 - This variant is heterozygous. (I) 0302 - Variant is present in gnomAD (v3) <0.001 for a dominant condition (3 heterozygotes, 0 homozygotes). (SP) 0506 - Abnormal splicing is not predicted and nucleotide is poorly conserved. (SB) 0705 - No comparable non-canonical splice site variants have previous evidence for pathogenicity. (I) 0808 - Previous reports of pathogenicity for this variant are conflicting. This variant has been reported in ClinVar as likely benign and a VUS. (I) 0905 - No published segregation evidence has been identified for this variant. (I) 1007 - No published functional evidence has been identified for this variant. (I) 1208 - Inheritance information for this variant is not currently available in this individual. (I) Legend: (SP) - Supporting pathogenic, (I) - Information, (SB) - Supporting benign

Eurofins Ntd Llc (ga)
Classification: Uncertain significance. Last evaluated: 2016-09-28. Review status: criteria provided, single submitter. Criteria: EGL Classification Definitions 2015. Collection method: clinical testing. Allele origin: germline. Observed: 1 variant allele, 1 heterozygote.

Literature cited by the submitters: PubMed 25589632 (cited by Victorian Clinical Genetics Services, Murdoch Childrens Research Institute).

NM_001267550.2(TTN):c.31349-4A>T

Gene: TTN (titin; minus strand). Cytogenetic location: 2q31.2.
Variant type: single nucleotide variant.
Coding change: c.31349-4A>T on transcript NM_001267550.2 (MANE Select); 4 bases into the intron before coding-DNA position 31349, A replaced by T.
Molecular consequence: intron variant.
Genome position (GRCh38, 1-based): chr2:178,694,680, T>A on the plus strand (A>T on the coding strand, the complement: TTN is on the minus strand). VCF-style: chr2-178694680-T-A. GRCh37 (hg19) VCF-style: chr2-179559407-T-A.
Other names: c.13282+43402A>T (NM_003319.4); c.13858+43402A>T (NM_133437.4); c.13657+43402A>T (NM_133432.3); c.27617-4A>T (NM_133378.4); c.30398-4A>T (NM_001256850.1); c.31349-4A>T (NM_001267550.1).
Identifiers: ClinVar variation 497151 (VCV000497151.17), dbSNP rs1029227575, ClinGen allele CA60991703.
Genomic context (GRCh38, chr2:178,694,680, plus strand): 5'-CCTGTACTGGAGTCCGGGAAGGTTTTTGTGGAACAATCTTCTTTGAAACTTCAGGTACTT[T>A]AAAAATATGTACAAATATATTTGTATTTTGAAGAATATTGCTTTGCACAAAATTTAAAAG-3'